The following is an entry in ClinVar:

ClinVar aggregate classification (germline): Benign/Likely benign. Review status: criteria provided, multiple submitters, no conflicts (2 of 4 stars). 2 submissions from 2 submitters: Benign (1); Likely benign (1). Last evaluated 2022-04-01.

Allele frequency attached by ClinVar (database versions not stated): gnomAD 0.00123 and 0.00126; TOPMed 0.00127; gnomAD exomes 0.00184; ESP Exome Variant Server 0.00185; ExAC 0.00209; 1000 Genomes Project 0.00220; 1000 Genomes Project 30x 0.00250.
gnomAD v4.1: 3,250 of 1,445,912 alleles (0.22%); highest among the groups gnomAD compares: South Asian, 0.29%; 12 homozygotes.

Submissions (2):

CeGaT Center for Human Genetics Tuebingen
Classification: Likely benign. Last evaluated: 2022-04-01. Review status: criteria provided, single submitter. Criteria: CeGaT Center For Human Genetics Tuebingen Variant Classification Criteria Version 2. Collection method: clinical testing. Allele origin: germline. Affected: yes. Observed: 1 variant allele.
Comment: FARP2: BP4, BP7

Labcorp Genetics (formerly Invitae), Labcorp
Classification: Benign. Last evaluated: 2018-09-25. Review status: criteria provided, single submitter. Criteria: Invitae Variant Classification Sherloc (09022015). Collection method: clinical testing. Allele origin: germline.

NM_014808.4(FARP2):c.21A>C (p.Thr7=)

Gene: FARP2 (FERM, ARH/RhoGEF and pleckstrin domain protein 2; plus strand). Cytogenetic location: 2q37.3.
Variant type: single nucleotide variant.
Coding change: c.21A>C on transcript NM_014808.4 (MANE Select); coding-DNA position 21, A replaced by C.
Protein change: p.Thr7=; no amino-acid change (threonine 7 retained).
Molecular consequence: synonymous variant.
Genome position (GRCh38, 1-based): chr2:241,373,128, A>C. VCF-style: chr2-241373128-A-C. GRCh37 (hg19) VCF-style: chr2-242312543-A-C.
Other names: c.21A>C, p.Thr7= (NM_001282983.2, NM_001282984.2).
Identifiers: ClinVar variation 718858 (VCV000718858.27), dbSNP rs139981990, ClinGen allele CA2217608.